The following is an entry in ClinVar:

NM_004448.4(ERBB2):c.1933G>A (p.Glu645Lys)

Gene: ERBB2 (erb-b2 receptor tyrosine kinase 2; plus strand). Cytogenetic location: 17q12.
Variant type: single nucleotide variant.
Coding change: c.1933G>A on transcript NM_004448.4 (MANE Select); coding-DNA position 1933, G replaced by A.
Protein change: p.Glu645Lys; replaces glutamic acid 645 with lysine.
Molecular consequence: missense variant. On other transcripts: non-coding transcript variant (1), intron variant (3).
Genome position (GRCh38, 1-based): chr17:39,719,821, G>A. VCF-style: chr17-39719821-G-A. GRCh37 (hg19) VCF-style: chr17-37876074-G-A.
Other names: c.1843G>A, p.Glu615Lys (NM_001005862.3, NM_001382782.1, NM_001382783.1); c.1888G>A, p.Glu630Lys (NM_001289936.2); c.1933G>A, p.Glu645Lys (NM_001289937.2, NM_001382792.1, NM_001382793.1 and 7 more transcripts); c.2050G>A, p.Glu684Lys (NM_001382784.1, NM_001382786.1); c.2035G>A, p.Glu679Lys (NM_001382785.1); c.2008G>A, p.Glu670Lys (NM_001382787.1); c.1963G>A, p.Glu655Lys (NM_001382788.1); c.1954G>A, p.Glu652Lys (NM_001382789.1); and 7 more; short protein forms E559K, E630K, E670K, E679K, E369K, E585K, E652K, E684K.
Identifiers: ClinVar variation 2179536 (VCV002179536.4), dbSNP rs370514427, ClinGen allele CA8534158.

ClinVar aggregate classification (germline): Uncertain significance (1 of 4 stars; one submission).

Allele frequency attached by ClinVar (database versions not stated): ExAC 0.00001; gnomAD exomes 0.00002; gnomAD 0.00003; TOPMed 0.00003; ESP Exome Variant Server 0.00008.
gnomAD v4.1: 33 of 1,614,058 alleles (0.002%); highest among the groups gnomAD compares: African/African-American, 0.0027%; no homozygotes.

Submission:

Labcorp Genetics (formerly Invitae), Labcorp
Classification: Uncertain significance. Last evaluated: 2022-03-14. Review status: criteria provided, single submitter. Criteria: Invitae Variant Classification Sherloc (09022015). Collection method: clinical testing. Allele origin: germline.
Comment: In summary, the available evidence is currently insufficient to determine the role of this variant in disease. Therefore, it has been classified as a Variant of Uncertain Significance. Algorithms developed to predict the effect of missense changes on protein structure and function (SIFT, PolyPhen-2, Align-GVGD) all suggest that this variant is likely to be tolerated. This variant has not been reported in the literature in individuals affected with ERBB2-related conditions. This variant is present in population databases (rs370514427, gnomAD 0.003%). This sequence change replaces glutamic acid, which is acidic and polar, with lysine, which is basic and polar, at codon 645 of the ERBB2 protein (p.Glu645Lys).